The following is an entry in ClinVar:

ClinVar aggregate classification (germline): Uncertain significance (1 of 4 stars; one submission).

gnomAD v4.1: 5 of 1,614,064 alleles (0.00031%); highest among the groups gnomAD compares: Non-Finnish European, 0.00042%; no homozygotes.

Submission:

Labcorp Genetics (formerly Invitae), Labcorp
Classification: Uncertain significance. Last evaluated: 2025-01-29. Review status: criteria provided, single submitter. Criteria: Invitae Variant Classification Sherloc (09022015). Collection method: clinical testing. Allele origin: germline.
Comment: This sequence change replaces serine, which is neutral and polar, with glycine, which is neutral and non-polar, at codon 798 of the CEP97 protein (p.Ser798Gly). This variant is present in population databases (no rsID available, gnomAD 0.002%). This variant has not been reported in the literature in individuals affected with CEP97-related conditions. Invitae Evidence Modeling of protein sequence and biophysical properties (such as structural, functional, and spatial information, amino acid conservation, physicochemical variation, residue mobility, and thermodynamic stability) indicates that this missense variant is not expected to disrupt CEP97 protein function with a negative predictive value of 80%. In summary, the available evidence is currently insufficient to determine the role of this variant in disease. Therefore, it has been classified as a Variant of Uncertain Significance.

NM_024548.4(CEP97):c.2392A>G (p.Ser798Gly)

Gene: CEP97 (centrosomal protein 97; plus strand). Cytogenetic location: 3q12.3.
Variant type: single nucleotide variant.
Coding change: c.2392A>G on transcript NM_024548.4 (MANE Select); coding-DNA position 2392, A replaced by G.
Protein change: p.Ser798Gly; replaces serine 798 with glycine.
Molecular consequence: missense variant.
Genome position (GRCh38, 1-based): chr3:101,765,345, A>G. VCF-style: chr3-101765345-A-G. GRCh37 (hg19) VCF-style: chr3-101484189-A-G.
Other names: c.2215A>G, p.Ser739Gly (NM_001303401.2); c.2290A>G, p.Ser764Gly (NM_001410784.1); c.2113A>G, p.Ser705Gly (NM_001410785.1); short protein forms S739G, S764G, S798G, S705G.
Identifiers: ClinVar variation 3676665 (VCV003676665.2).
Genomic context (GRCh38, chr3:101,765,345, plus strand): 5'-TCAGTTCAACAGCTGGAAGATGCTGATGAGAGGACCAATTTTGATACAGAGACAAGAGAT[A>G]GCAAACTTCACATTGCTTGTTTCCCAGTACAGTTAGATACATTGTCTGACGGTGCTTCTG-3'
Protein context (NP_078824.2, residues 788-808): RTNFDTETRD[Ser798Gly]KLHIACFPVQ